The following is an entry in ClinVar:

ClinVar aggregate classification (germline): Uncertain significance. Review status: criteria provided, multiple submitters, no conflicts (2 of 4 stars). 2 submissions from 2 submitters: Uncertain significance (2). Last evaluated 2025-09-09.

Conditions:
Fanconi anemia (FA). Also called: Fanconi's anemia. Identifiers: Orphanet 84, MedGen C0015625, MeSH D005199, MONDO:0019391.
Fanconi anemia complementation group B (FANCB). Also called: FANCONI PANCYTOPENIA, TYPE 2; FANCB-Related Fanconi Anemia. Identifiers: Orphanet 84, MedGen C1845292, MONDO:0010351, OMIM 300514.

Allele frequency attached by ClinVar (database versions not stated): gnomAD exomes 0.00002.
gnomAD v4.1: 16 of 1,209,897 alleles (0.0013%); highest among the groups gnomAD compares: Non-Finnish European, 0.0018%; no homozygotes.

Submissions (2):

Labcorp Genetics (formerly Invitae), Labcorp
Classification: Uncertain significance for Fanconi anemia. Last evaluated: 2025-09-09. Review status: criteria provided, single submitter. Criteria: Invitae Variant Classification Sherloc (09022015). Collection method: clinical testing. Allele origin: germline.
Comment: This sequence change replaces serine, which is neutral and polar, with cysteine, which is neutral and slightly polar, at codon 28 of the FANCB protein (p.Ser28Cys). This variant is not present in population databases (gnomAD no frequency). This variant has not been reported in the literature in individuals affected with FANCB-related conditions. ClinVar contains an entry for this variant (Variation ID: 2675464). Invitae Evidence Modeling of protein sequence and biophysical properties (such as structural, functional, and spatial information, amino acid conservation, physicochemical variation, residue mobility, and thermodynamic stability) indicates that this missense variant is not expected to disrupt FANCB protein function with a negative predictive value of 80%. In summary, the available evidence is currently insufficient to determine the role of this variant in disease. Therefore, it has been classified as a Variant of Uncertain Significance.

Baylor Genetics
Classification: Uncertain significance for Fanconi anemia complementation group B. Last evaluated: 2023-10-12. Review status: criteria provided, single submitter. Criteria: ACMG Guidelines, 2015. Collection method: clinical testing. Allele origin: unknown.

NM_001018113.3(FANCB):c.83C>G (p.Ser28Cys)

Gene: FANCB (FA complementation group B; minus strand). Cytogenetic location: Xp22.2.
Variant type: single nucleotide variant.
Coding change: c.83C>G on transcript NM_001018113.3 (MANE Select); coding-DNA position 83, C replaced by G.
Protein change: p.Ser28Cys; replaces serine 28 with cysteine.
Molecular consequence: missense variant. On other transcripts: non-coding transcript variant (1).
Genome position (GRCh38, 1-based): chrX:14,865,428, G>C on the plus strand (C>G on the coding strand, the complement: FANCB is on the minus strand). VCF-style: chrX-14865428-G-C. GRCh37 (hg19) VCF-style: chrX-14883550-G-C.
Other names: c.83C>G, p.Ser28Cys (NM_001324162.2, NM_001410764.1, NM_152633.4); short protein forms S28C.
Identifiers: ClinVar variation 2675464 (VCV002675464.3), dbSNP rs2092465297, ClinGen allele CA412445325.